The following is an entry in ClinVar:

NM_006767.4(LZTR1):c.641G>C (p.Cys214Ser)

Gene: LZTR1 (leucine zipper like post translational regulator 1; plus strand). Cytogenetic location: 22q11.21.
Variant type: single nucleotide variant.
Coding change: c.641G>C on transcript NM_006767.4 (MANE Select); coding-DNA position 641, G replaced by C.
Protein change: p.Cys214Ser; replaces cysteine 214 with serine.
Molecular consequence: missense variant.
Genome position (GRCh38, 1-based): chr22:20,989,672, G>C. VCF-style: chr22-20989672-G-C. GRCh37 (hg19) VCF-style: chr22-21343961-G-C.
Other names: short protein forms C214S.
Identifiers: ClinVar variation 1753427 (VCV001753427.2), dbSNP rs2518614955, ClinGen allele CA410780370.

ClinVar aggregate classification (germline): Uncertain significance (1 of 4 stars; one submission).

Conditions:
Cardiovascular phenotype. Identifiers: MedGen CN230736.
Hereditary cancer-predisposing syndrome. Also called: Neoplastic Syndromes, Hereditary; Tumor predisposition; Hereditary Cancer Syndrome; Hereditary neoplastic syndrome. Identifiers: Orphanet 140162, MedGen C0027672, MeSH D009386, MONDO:0015356.

Submission:

Ambry Genetics
Classification: Uncertain significance for Cardiovascular phenotype; Hereditary cancer-predisposing syndrome. Last evaluated: 2022-03-01. Review status: criteria provided, single submitter. Criteria: Ambry Variant Classification Scheme 2023. Collection method: clinical testing. Allele origin: germline.
Comment: The p.C214S variant (also known as c.641G>C), located in coding exon 7 of the LZTR1 gene, results from a G to C substitution at nucleotide position 641. The cysteine at codon 214 is replaced by serine, an amino acid with dissimilar properties. This amino acid position is conserved. In addition, this alteration is predicted to be tolerated by in silico analysis. Since supporting evidence is limited at this time, the clinical significance of this alteration remains unclear.